The following is an entry in ClinVar:

NC_000015.9:g.(?_91341448)_(91344889_?)del

Gene: BLM (BLM RecQ like helicase; plus strand). Cytogenetic location: 15q26.1.
Variant type: Deletion.
Identifiers: ClinVar variation 1502394 (VCV001502394.5).

ClinVar aggregate classification (germline): Likely pathogenic (1 of 4 stars; one submission).

Conditions:
Bloom syndrome (BLM). Also called: Bloom-Torre-Machacek syndrome. Identifiers: Orphanet 125, MedGen C0005859, MONDO:0008876, OMIM 210900.

Submission:

Labcorp Genetics (formerly Invitae), Labcorp
Classification: Likely pathogenic for Bloom syndrome. Last evaluated: 2021-02-19. Review status: criteria provided, single submitter. Criteria: Invitae Variant Classification Sherloc (09022015). Collection method: clinical testing. Allele origin: germline.
Comment: In summary, the currently available evidence indicates that the variant is pathogenic, but additional data are needed to prove that conclusively. Therefore, this variant has been classified as Likely Pathogenic. This variant has not been reported in the literature in individuals with BLM-related conditions. This variant results in the deletion of part of exon 17 (c.3239_3359-1862del) of the BLM gene. It is expected to disrupt RNA splicing. Variants that disrupt the donor or acceptor splice site typically lead to a loss of protein function (PMID: 16199547), and loss-of-function variants in BLM are known to be pathogenic (PMID: 17407155).

Literature cited by the submitters: PubMed 16199547; PubMed 17407155.